The following is an entry in ClinVar:

NM_006231.4(POLE):c.1315_1326del (p.Leu439_Glu442del)

Gene: POLE (DNA polymerase epsilon, catalytic subunit; minus strand). Cytogenetic location: 12q24.33.
Variant type: Deletion.
Coding change: c.1315_1326del on transcript NM_006231.4 (MANE Select); coding-DNA positions 1315 to 1326, 12 bases deleted (CTAGACCCGGAG).
Protein change: p.Leu439_Glu442del.
Molecular consequence: inframe deletion.
Genome position (GRCh38, 1-based): chr12:132,673,608-132,673,619, CTCCGGGTCTAG deleted on the plus strand (CTAGACCCGGAG on the coding strand, the reverse complement: POLE is on the minus strand); deleting any 12 consecutive bases within chr12:132,673,608-132,673,623 gives the same sequence; the c. name uses the placement nearest the transcript's 3' end. VCF-style (leftmost placement, unchanged base first): chr12-132673607-CCTCCGGGTCTAG-C. GRCh37 (hg19) VCF-style: chr12-133250193-CCTCCGGGTCTAG-C.
Other names: c.1315_1326del12 (NM_006231.2).
Identifiers: ClinVar variation 1053320 (VCV001053320.10), dbSNP rs2135999467, ClinGen allele CA2499221546.
Genomic context (GRCh38, chr12:132,673,607, plus strand): 5'-AGGGGCAGCCGGGATGTGGCTTACGTGCCTGGGGCTGCTCCGTGGCCATCCGGCACATGT[CCTCCGGGTCTAG>C]CTCCACGGGATCATAGCCTAGCTTGGCCTTGGCGGCCGCCTTGAGATTATGACTGCCCAC-3'

ClinVar aggregate classification (germline): Uncertain significance. Review status: criteria provided, multiple submitters, no conflicts (2 of 4 stars). 2 submissions from 2 submitters: Uncertain significance (2). Last evaluated 2025-07-28.

Conditions:
Hereditary cancer-predisposing syndrome. Also called: Tumor predisposition; Hereditary neoplastic syndrome; Hereditary Cancer Syndrome; Neoplastic Syndromes, Hereditary. Identifiers: Orphanet 140162, MedGen C0027672, MeSH D009386, MONDO:0015356.

Submissions (2):

Labcorp Genetics (formerly Invitae), Labcorp
Classification: Uncertain significance. Last evaluated: 2025-07-28. Review status: criteria provided, single submitter. Criteria: Invitae Variant Classification Sherloc (09022015). Collection method: clinical testing. Allele origin: germline.
Comment: This variant, c.1315_1326del, results in the deletion of 4 amino acid(s) of the POLE protein (p.Leu439_Glu442del), but otherwise preserves the integrity of the reading frame. This variant is not present in population databases (gnomAD no frequency). This variant has not been reported in the literature in individuals affected with POLE-related conditions. ClinVar contains an entry for this variant (Variation ID: 1053320). Experimental studies and prediction algorithms are not available or were not evaluated, and the functional significance of this variant is currently unknown. In summary, the available evidence is currently insufficient to determine the role of this variant in disease. Therefore, it has been classified as a Variant of Uncertain Significance.

Ambry Genetics
Classification: Uncertain significance for Hereditary cancer-predisposing syndrome. Last evaluated: 2023-06-27. Review status: criteria provided, single submitter. Criteria: Ambry Variant Classification Scheme 2023. Collection method: clinical testing. Allele origin: germline.
Comment: The c.1315_1326del12 variant (also known as p.L439_E442del) is located in coding exon 13 of the POLE gene. This variant results from an in-frame CTAGACCCGGAG deletion at nucleotide positions 1315 to 1326. This results in the in-frame deletion of a leucine, aspartic acid, proline, and glutamic acid at codons 439 to 442. This amino acid region is highly conserved in available vertebrate species. In addition, this alteration is predicted to be deleterious by in silico analysis (Choi Y et al. PLoS ONE. 2012; 7(10):e46688). Since supporting evidence is limited at this time, the clinical significance of this alteration remains unclear.